The following is an entry in ClinVar:

NM_001330239.4(TJP1):c.353G>T (p.Arg118Leu)

Gene: TJP1 (tight junction protein 1; minus strand). Cytogenetic location: 15q13.1.
Variant type: single nucleotide variant.
Coding change: c.353G>T on transcript NM_001330239.4 (MANE Select); coding-DNA position 353, G replaced by T.
Protein change: p.Arg118Leu; replaces arginine 118 with leucine.
Molecular consequence: missense variant.
Genome position (GRCh38, 1-based): chr15:29,766,502, C>A on the plus strand (G>T on the coding strand, the complement: TJP1 is on the minus strand). VCF-style: chr15-29766502-C-A. GRCh37 (hg19) VCF-style: chr15-30058705-C-A.
Other names: c.632G>T, p.Arg211Leu (NM_001301025.3, NM_001355012.2); c.365G>T, p.Arg122Leu (NM_001301026.2, NM_001355013.1); c.353G>T, p.Arg118Leu (NM_001355014.2, NM_001355015.2, NM_003257.5 and 1 more transcripts); short protein forms R118L, R122L, R211L.
Identifiers: ClinVar variation 1676804 (VCV001676804.3), dbSNP rs148793257, ClinGen allele CA7447568.
Genomic context (GRCh38, chr15:29,766,502, plus strand): 5'-TCATGTATTTCCTCATCATAACTATCTTCTTCATTATCAGATACTGGTTCAGGATCAGGA[C>A]GACTTACTGGTATTTGAACTTTCTTCTTCCTTCTAATTGTCTGCAAGTTAAAAAGGTTAA-3'
Protein context (NP_001317168.1, residues 108-128): RKKKVQIPVS[Arg118Leu]PDPEPVSDNE

ClinVar aggregate classification (germline): Uncertain significance (1 of 4 stars; one submission).

Allele frequency attached by ClinVar (database versions not stated): gnomAD 0.00006; ESP Exome Variant Server 0.00017; ExAC 0.00057; 1000 Genomes Project 30x 0.00078; 1000 Genomes Project 0.00080.
gnomAD v4.1: 422 of 1,596,696 alleles (0.026%); highest among the groups gnomAD compares: South Asian, 0.33%; 10 homozygotes.

Submission:

Centre of Medical Genetics, University Hospital Muenster
Classification: Uncertain significance. Last evaluated: 2022-03-03. Review status: criteria provided, single submitter. Criteria: ACMG Guidelines, 2015. Collection method: clinical testing. Allele origin: unknown. Affected: yes. Observed: 1 variant allele, 1 heterozygote.
Comment: ACMG categories: PM1